The following is an entry in ClinVar:

NM_005559.4(LAMA1):c.6883C>T (p.Arg2295Cys)

Gene: LAMA1 (laminin subunit alpha 1; minus strand). Cytogenetic location: 18p11.31.
Variant type: single nucleotide variant.
Coding change: c.6883C>T on transcript NM_005559.4 (MANE Select); coding-DNA position 6883, C replaced by T.
Protein change: p.Arg2295Cys; replaces arginine 2295 with cysteine.
Molecular consequence: missense variant.
Genome position (GRCh38, 1-based): chr18:6,971,873, G>A on the plus strand (C>T on the coding strand, the complement: LAMA1 is on the minus strand). VCF-style: chr18-6971873-G-A. GRCh37 (hg19) VCF-style: chr18-6971872-G-A.
Other names: short protein forms R2295C.
Identifiers: ClinVar variation 719206 (VCV000719206.12), dbSNP rs76842111, ClinGen allele CA8881098.

ClinVar aggregate classification (germline): Benign. Review status: criteria provided, single submitter (1 of 4 stars). 2 submissions from 2 submitters: Benign (1). 1 of the submissions does not count toward it. Last evaluated 2026-01-25.

Conditions:
LAMA1-related disorder. Also called: LAMA1-related disorders; LAMA1-related condition.

Allele frequency attached by ClinVar (database versions not stated): ESP Exome Variant Server 0.00038; TOPMed 0.00129; gnomAD exomes 0.00248 and 0.00637; 1000 Genomes Project 30x 0.00359; 1000 Genomes Project 0.00399; gnomAD 0.00457 and 0.00458; ExAC 0.00586.
gnomAD v4.1: 4,338 of 1,613,916 alleles (0.27%); highest among the groups gnomAD compares: East Asian, 1.6%; 70 homozygotes.

Submissions (2):

Labcorp Genetics (formerly Invitae), Labcorp
Classification: Benign. Last evaluated: 2026-01-25. Review status: criteria provided, single submitter. Criteria: Invitae Variant Classification Sherloc (09022015). Collection method: clinical testing. Allele origin: germline.

PreventionGenetics, part of Exact Sciences
Classification: Benign for LAMA1-related condition. Last evaluated: 2019-09-20. Review status: no assertion criteria provided. Collection method: clinical testing. Allele origin: germline. Not counted in ClinVar's aggregate classification.
Comment: This variant is classified as benign based on ACMG/AMP sequence variant interpretation guidelines (Richards et al. 2015 PMID: 25741868, with internal and published modifications).